The following is an entry in ClinVar:

ClinVar aggregate classification (germline): Uncertain significance (1 of 4 stars; one submission).

Conditions:
TBX3-related disorder. Also called: TBX3-related condition.

Submission:

PreventionGenetics, part of Exact Sciences
Classification: Uncertain significance for TBX3-related condition. Last evaluated: 2025-05-06. Review status: criteria provided, single submitter. Criteria: ACMG Guidelines, 2015. Collection method: clinical testing. Allele origin: germline.
Comment: The TBX3 c.1055C>T variant is predicted to result in the amino acid substitution p.Ala352Val. To our knowledge, this variant has not been reported in the literature or in a large population database, indicating this variant is rare. At this time, the clinical significance of this variant is uncertain due to the absence of conclusive functional and genetic evidence.

NM_005996.4(TBX3):c.995C>T (p.Ala332Val)

Gene: TBX3 (T-box transcription factor 3; minus strand). Cytogenetic location: 12q24.21.
Variant type: single nucleotide variant.
Coding change: c.995C>T on transcript NM_005996.4 (MANE Select); coding-DNA position 995, C replaced by T.
Protein change: p.Ala332Val; replaces alanine 332 with valine.
Molecular consequence: missense variant.
Genome position (GRCh38, 1-based): chr12:114,676,357, G>A on the plus strand (C>T on the coding strand, the complement: TBX3 is on the minus strand). VCF-style: chr12-114676357-G-A. GRCh37 (hg19) VCF-style: chr12-115114162-G-A.
Other names: c.1055C>T, p.Ala352Val (NM_016569.4); short protein forms A332V, A352V.
Identifiers: ClinVar variation 3356643 (VCV003356643.2).
Genomic context (GRCh38, chr12:114,676,357, plus strand): 5'-AGGTGACATGGTTTACCTTTGAGGTTCGATGTCCCTACAGTGGAGGCGGCTGGAGAAGAA[G>A]CCTGGGCGAAGCAGTTGAAAGCTGCTTGTTCACTGGAGGACTCATCAGAGGTCCCATTCT-3'
Protein context (NP_005987.3, residues 322-342): EQAAFNCFAQ[Ala332Val]SSPAASTVGT